The following is an entry in ClinVar:

NM_000748.3(CHRNB2):c.1234G>C (p.Gly412Arg)

Gene: CHRNB2 (cholinergic receptor nicotinic beta 2 subunit; plus strand). Cytogenetic location: 1q21.3.
Variant type: single nucleotide variant.
Coding change: c.1234G>C on transcript NM_000748.3 (MANE Select); coding-DNA position 1234, G replaced by C.
Protein change: p.Gly412Arg; replaces glycine 412 with arginine.
Molecular consequence: missense variant.
Genome position (GRCh38, 1-based): chr1:154,572,057, G>C. VCF-style: chr1-154572057-G-C. GRCh37 (hg19) VCF-style: chr1-154544533-G-C.
Other names: short protein forms G412R.
Identifiers: ClinVar variation 2444674 (VCV002444674.1), dbSNP rs774449832, ClinGen allele CA342631752.

ClinVar aggregate classification (germline): Uncertain significance (1 of 4 stars; one submission).

Submission:

GeneDx
Classification: Uncertain significance. Last evaluated: 2022-09-08. Review status: criteria provided, single submitter. Criteria: GeneDx Variant Classification Process June 2021. Collection method: clinical testing. Allele origin: germline. Affected: yes.
Comment: Not observed at significant frequency in large population cohorts (gnomAD); In silico analysis supports that this missense variant does not alter protein structure/function; Has not been previously published as pathogenic or benign to our knowledge